The following is an entry in ClinVar:

NM_002860.4(ALDH18A1):c.1540C>T (p.Arg514Trp)

Gene: ALDH18A1 (aldehyde dehydrogenase 18 family member A1; minus strand). Cytogenetic location: 10q24.1.
Variant type: single nucleotide variant.
Coding change: c.1540C>T on transcript NM_002860.4 (MANE Select); coding-DNA position 1540, C replaced by T.
Protein change: p.Arg514Trp; replaces arginine 514 with tryptophan.
Molecular consequence: missense variant.
Genome position (GRCh38, 1-based): chr10:95,616,542, G>A on the plus strand (C>T on the coding strand, the complement: ALDH18A1 is on the minus strand). VCF-style: chr10-95616542-G-A. GRCh37 (hg19) VCF-style: chr10-97376299-G-A.
Other names: c.1534C>T, p.Arg512Trp (NM_001017423.2, NM_001323415.2); c.1207C>T, p.Arg403Trp (NM_001323412.2, NM_001323416.2); c.1540C>T, p.Arg514Trp (NM_001323413.2, NM_001323414.2); c.1435C>T, p.Arg479Trp (NM_001323417.2); c.1201C>T, p.Arg401Trp (NM_001323418.2); c.904C>T, p.Arg302Trp (NM_001323419.2); short protein forms R302W, R479W, R401W, R512W, R403W, R514W.
Identifiers: ClinVar variation 1029649 (VCV001029649.10), dbSNP rs770442555, ClinGen allele CA5620290.

ClinVar aggregate classification (germline): Uncertain significance. Review status: criteria provided, multiple submitters, no conflicts (2 of 4 stars). 4 submissions from 4 submitters: Uncertain significance (4). Last evaluated 2025-10-29.

Conditions:
Inborn genetic diseases. Identifiers: MedGen C0950123, MeSH D030342.
de Barsy syndrome. Also called: Cutis laxa-corneal clouding-oligophrenia syndrome. Identifiers: Orphanet 2962, MedGen C0268354, MONDO:0017569.
Autosomal dominant spastic paraplegia type 9. Identifiers: MedGen C1832669, MONDO:0015091.
Cutis laxa, autosomal dominant 3 (ADCL3). Identifiers: Orphanet 90348, MedGen C4225268, MONDO:0014706, OMIM 616603.

Allele frequency attached by ClinVar (database versions not stated): gnomAD exomes 0.00001 and 0.00003; ExAC 0.00009; TOPMed 0.00001.
gnomAD v4.1: 20 of 1,593,582 alleles (0.0013%); highest among the groups gnomAD compares: Middle Eastern, 0.017%; no homozygotes.

Submissions (4):

Labcorp Genetics (formerly Invitae), Labcorp
Classification: Uncertain significance for Autosomal dominant spastic paraplegia type 9; de Barsy syndrome; Cutis laxa, autosomal dominant 3. Last evaluated: 2025-10-29. Review status: criteria provided, single submitter. Criteria: Invitae Variant Classification Sherloc (09022015). Collection method: clinical testing. Allele origin: germline.
Comment: This sequence change replaces arginine, which is basic and polar, with tryptophan, which is neutral and slightly polar, at codon 514 of the ALDH18A1 protein (p.Arg514Trp). This variant is present in population databases (rs770442555, gnomAD 0.01%). This missense change has been observed in individual(s) with hereditary spastic paraplegia (PMID: 35499206). ClinVar contains an entry for this variant (Variation ID: 1029649). Invitae Evidence Modeling of protein sequence and biophysical properties (such as structural, functional, and spatial information, amino acid conservation, physicochemical variation, residue mobility, and thermodynamic stability) has been performed for this missense variant. However, the output from this modeling did not meet the statistical confidence thresholds required to predict the impact of this variant on ALDH18A1 protein function. In summary, the available evidence is currently insufficient to determine the role of this variant in disease. Therefore, it has been classified as a Variant of Uncertain Significance.

Ambry Genetics
Classification: Uncertain significance for Inborn genetic diseases. Last evaluated: 2021-07-13. Review status: criteria provided, single submitter. Criteria: Ambry Variant Classification Scheme 2023. Collection method: clinical testing. Allele origin: germline.

GeneDx
Classification: Uncertain significance. Last evaluated: 2019-08-14. Review status: criteria provided, single submitter. Criteria: GeneDx Variant Classification Process June 2021. Collection method: clinical testing. Allele origin: germline. Affected: yes.
Comment: Has not been previously published as pathogenic or benign to our knowledge; In silico analysis, which includes protein predictors and evolutionary conservation, supports a deleterious effect

Baylor Genetics
Classification: Uncertain significance for Cutis laxa, autosomal dominant 3. Last evaluated: 2019-02-20. Review status: criteria provided, single submitter. Criteria: ACMG Guidelines, 2015. Collection method: clinical testing. Allele origin: paternal. Affected: yes.
Comment: This variant was determined to be of uncertain significance according to ACMG Guidelines, 2015 [PMID:25741868].

Literature cited by the submitters: PubMed 35499206 (cited by Labcorp Genetics (formerly Invitae), Labcorp).